The following is an entry in ClinVar:

NM_001165963.4(SCN1A):c.1517del (p.Gln506fs)

Gene: SCN1A (sodium voltage-gated channel alpha subunit 1; minus strand). Cytogenetic location: 2q24.3.
Variant type: Deletion.
Coding change: c.1517del on transcript NM_001165963.4 (MANE Select); coding-DNA position 1517, one base deleted (A; older notation c.1517delA).
Protein change: p.Gln506fs; shifts the reading frame from glutamine 506.
Molecular consequence: frameshift variant. On other transcripts: 5 prime UTR variant (1), non-coding transcript variant (1).
Genome position (GRCh38, 1-based): chr2:166,045,188, T deleted on the plus strand (A on the coding strand, the reverse complement: SCN1A is on the minus strand). VCF-style (leftmost placement, unchanged base first): chr2-166045187-CT-C. GRCh37 (hg19) VCF-style: chr2-166901697-CT-C.
Other names: c.1517del, p.Gln506fs (NM_001165964.3, NM_001202435.3, NM_001353948.2 and 7 more transcripts); c.1514del, p.Gln505fs (NM_001353954.2, NM_001353955.2, NM_001353960.2); c.-909del (NM_001353961.2); short protein forms Q505fs, Q506fs.
Identifiers: ClinVar variation 1072366 (VCV001072366.8), dbSNP rs2105851438, ClinGen allele CA2499215203.
Genomic context (GRCh38, chr2:166,045,187, plus strand): 5'-CTCAGATTCAGATTTTTGGAATTCATCCTCATCTTTCTCTTCCCCACCAGACTGCTCTTT[CT>C]GTTTTCTTTTCTTCCTCCGATTTCTTCTTTCCTTAGCACTCTTGGAACTCAACTTAGAGG-3'

ClinVar aggregate classification (germline): Pathogenic (1 of 4 stars; one submission).

Conditions:
Early-infantile DEE. Also called: Ohtahara syndrome; Early infantile epileptic encephalopathy with suppression bursts; Early infantile epileptic encephalopathy. Identifiers: Orphanet 1934, MedGen C0393706, MONDO:0800491.

Submission:

Labcorp Genetics (formerly Invitae), Labcorp
Classification: Pathogenic for Early-infantile DEE. Last evaluated: 2020-09-24. Review status: criteria provided, single submitter. Criteria: Invitae Variant Classification Sherloc (09022015). Collection method: clinical testing. Allele origin: germline.
Comment: This variant is not present in population databases (ExAC no frequency). This variant has not been reported in the literature in individuals with SCN1A-related conditions. Loss-of-function variants in SCN1A are known to be pathogenic (PMID: 17347258, 18930999). For these reasons, this variant has been classified as Pathogenic. This sequence change creates a premature translational stop signal (p.Gln506Argfs*38) in the SCN1A gene. It is expected to result in an absent or disrupted protein product.

Literature cited by the submitters: PubMed 17347258; PubMed 18930999.